The following is an entry in ClinVar:

NM_001904.4(CTNNB1):c.67dup (p.Ser23fs)

Genes: CTNNB1 (catenin beta 1; plus strand), LOC126806658 (BRD4-independent group 4 enhancer GRCh37_chr3:41265899-41267098; plus strand). Cytogenetic location: 3p22.1.
Variant type: Duplication.
Coding change: c.67dup on transcript NM_001904.4 (MANE Select); coding-DNA position 67, one base duplicated (A; older notation c.67dupA).
Protein change: p.Ser23fs; shifts the reading frame from serine 23.
Molecular consequence: frameshift variant.
Genome position (GRCh38, 1-based): chr3:41,224,579, A duplicated. VCF-style (leftmost placement, unchanged base first): chr3-41224578-T-TA. GRCh37 (hg19) VCF-style: chr3-41266069-T-TA.
Other names: c.67dup, p.Ser23fs (NM_001098209.2, NM_001098210.2); c.46dup, p.Ser16fs (NM_001330729.2); short protein forms S16fs, S23fs.
Identifiers: ClinVar variation 1072445 (VCV001072445.5), dbSNP rs2125616991, ClinGen allele CA2499216777.

ClinVar aggregate classification (germline): Pathogenic (1 of 4 stars; one submission).

Submission:

Labcorp Genetics (formerly Invitae), Labcorp
Classification: Pathogenic. Last evaluated: 2020-01-24. Review status: criteria provided, single submitter. Criteria: Invitae Variant Classification Sherloc (09022015). Collection method: clinical testing. Allele origin: germline.
Comment: This sequence change creates a premature translational stop signal (p.Ser23Lysfs*27) in the CTNNB1 gene. It is expected to result in an absent or disrupted protein product. This variant is not present in population databases (ExAC no frequency). This variant has not been reported in the literature in individuals with CTNNB1-related conditions. Loss-of-function variants in CTNNB1 are known to be pathogenic (PMID: 23033978, 24614104, 25326669, 26350204, 28575650). For these reasons, this variant has been classified as Pathogenic.

Literature cited by the submitters: PubMed 23033978; PubMed 24614104; PubMed 25326669; PubMed 26350204; PubMed 28575650.